The following is an entry in ClinVar:

NM_201384.3(PLEC):c.8094C>T (p.Ile2698=)

Gene: PLEC (plectin; minus strand). Cytogenetic location: 8q24.3.
Variant type: single nucleotide variant.
Coding change: c.8094C>T on transcript NM_201384.3 (MANE Select); coding-DNA position 8094, C replaced by T.
Protein change: p.Ile2698=; no amino-acid change (isoleucine 2698 retained).
Molecular consequence: synonymous variant.
Genome position (GRCh38, 1-based): chr8:143,921,727, G>A on the plus strand (C>T on the coding strand, the complement: PLEC is on the minus strand). VCF-style: chr8-143921727-G-A. GRCh37 (hg19) VCF-style: chr8-144995895-G-A.
Other names: c.8175C>T, p.Ile2725= (NM_000445.5); c.8052C>T, p.Ile2684= (NM_201378.4); c.8028C>T, p.Ile2676= (NM_201379.3); c.8505C>T, p.Ile2835= (NM_201380.4); c.7998C>T, p.Ile2666= (NM_201381.3); c.8094C>T, p.Ile2698= (NM_201382.4); c.8106C>T, p.Ile2702= (NM_201383.3).
Identifiers: ClinVar variation 784872 (VCV000784872.8), dbSNP rs782694404, ClinGen allele CA4925422.

ClinVar aggregate classification (germline): Likely benign. Review status: criteria provided, multiple submitters, no conflicts (2 of 4 stars). 2 submissions from 2 submitters: Likely benign (2). Last evaluated 2025-12-19.

Conditions:
Epidermolysis bullosa simplex 5B, with muscular dystrophy (EBS5B). Also called: Epidermolysis bullosa simplex with muscular dystrophy; EPIDERMOLYSIS BULLOSA SIMPLEX AND LIMB-GIRDLE MUSCULAR DYSTROPHY. Identifiers: Orphanet 257, MedGen C2931072, MONDO:0009181, OMIM 226670.
Epidermolysis bullosa simplex with nail dystrophy (EBS5D). Identifiers: MedGen C4225309, MONDO:0014661, OMIM 616487.
Autosomal recessive limb-girdle muscular dystrophy type 2Q (LGMDR17). Also called: MUSCULAR DYSTROPHY, LIMB-GIRDLE, AUTOSOMAL RECESSIVE 17. Identifiers: Orphanet 254361, MedGen C3150989, MONDO:0013390, OMIM 613723.
Epidermolysis bullosa simplex 5C, with pyloric atresia (EBS5C). Also called: PLEC-Related Epidermolysis Bullosa with Pyloric Atresia; Epidermolysis bullosa simplex with pyloric atresia; PLEC1-Related Epidermolysis Bullosa with Pyloric Atresia. Identifiers: Orphanet 158684, MedGen C2677349, MONDO:0012807, OMIM 612138.
Epidermolysis bullosa simplex, Ogna type (EBS5A). Also called: Pidermolysis bullosa simplex 5A, Ogna type; EPIDERMOLYSIS BULLOSA SIMPLEX 5A, OGNA TYPE. Identifiers: Orphanet 79401, MedGen C0432317, MONDO:0007555, OMIM 131950.
PLEC-related disorder. Also called: PLEC-related disorders; PLEC-related condition.

Allele frequency attached by ClinVar (database versions not stated): gnomAD exomes 0.00001 and 0.00002; ExAC 0.00002; gnomAD 0.00010 and 0.00011; TOPMed 0.00010.
gnomAD v4.1: 35 of 1,612,734 alleles (0.0022%); highest among the groups gnomAD compares: African/African-American, 0.028%; no homozygotes.

Submissions (2):

Labcorp Genetics (formerly Invitae), Labcorp
Classification: Likely benign for Autosomal recessive limb-girdle muscular dystrophy type 2Q; Epidermolysis bullosa simplex, Ogna type; Epidermolysis bullosa simplex with nail dystrophy; Epidermolysis bullosa simplex 5C, with pyloric atresia; Epidermolysis bullosa simplex 5B, with muscular dystrophy. Last evaluated: 2025-12-19. Review status: criteria provided, single submitter. Criteria: Invitae Variant Classification Sherloc (09022015). Collection method: clinical testing. Allele origin: germline.

PreventionGenetics, part of Exact Sciences
Classification: Likely benign for PLEC-related condition. Last evaluated: 2025-03-12. Review status: criteria provided, single submitter. Criteria: ACMG Guidelines, 2015. Collection method: clinical testing. Allele origin: germline.
Comment: This variant is classified as likely benign based on ACMG/AMP sequence variant interpretation guidelines (Richards et al. 2015 PMID: 25741868, with internal and published modifications).